The following is an entry in ClinVar:

NM_001347721.2(DYRK1A):c.1172A>T (p.Asp391Val)

Gene: DYRK1A (dual specificity tyrosine phosphorylation regulated kinase 1A; plus strand). Cytogenetic location: 21q22.13.
Variant type: single nucleotide variant.
Coding change: c.1172A>T on transcript NM_001347721.2 (MANE Select); coding-DNA position 1172, A replaced by T.
Protein change: p.Asp391Val; replaces aspartic acid 391 with valine.
Molecular consequence: missense variant.
Genome position (GRCh38, 1-based): chr21:37,496,218, A>T. VCF-style: chr21-37496218-A-T. GRCh37 (hg19) VCF-style: chr21-38868520-A-T.
Other names: c.1172A>T, p.Asp391Val (NM_001347722.2, NM_130436.2); c.1085A>T, p.Asp362Val (NM_001347723.2); c.1199A>T, p.Asp400Val (NM_001396.5, NM_101395.2, NM_130438.2); short protein forms D362V, D391V, D400V.
Identifiers: ClinVar variation 3384794 (VCV003384794.1).

ClinVar aggregate classification (germline): Uncertain significance (1 of 4 stars; one submission).

Submission:

Women's Health and Genetics/Laboratory Corporation of America, LabCorp
Classification: Uncertain significance. Last evaluated: 2024-10-09. Review status: criteria provided, single submitter. Criteria: LabCorp Variant Classification Summary - May 2015. Collection method: clinical testing. Allele origin: germline.
Comment: Variant summary: DYRK1A c.1199A>T (p.Asp400Val) results in a non-conservative amino acid change located in the Protein kinase domain (IPR000719) of the encoded protein sequence. Three of five in-silico tools predict a benign effect of the variant on protein function. The variant was absent in 251096 control chromosomes. The available data on variant occurrences in the general population are insufficient to allow any conclusion about variant significance. To our knowledge, no occurrence of c.1199A>T in individuals affected with Mental Retardation, Autosomal Dominant 7 and no experimental evidence demonstrating its impact on protein function have been reported. No submitters have cited clinical-significance assessments for this variant to ClinVar. Based on the evidence outlined above, the variant was classified as uncertain significance.